The following is an entry in ClinVar:

ClinVar aggregate classification (germline): Pathogenic (1 of 4 stars; one submission).

Submission:

GeneDx
Classification: Pathogenic. Last evaluated: 2024-12-27. Review status: criteria provided, single submitter. Criteria: GeneDx Variant Classification Process June 2021. Collection method: clinical testing. Allele origin: germline. Affected: yes.
Comment: Frameshift variant predicted to result in protein truncation or nonsense mediated decay in a gene for which loss of function is a known mechanism of disease; Not observed at significant frequency in large population cohorts (gnomAD); Has not been previously published as pathogenic or benign to our knowledge

NM_001256789.3(CACNA1F):c.1396del (p.Ser466fs)

Gene: CACNA1F (calcium voltage-gated channel subunit alpha1 F; minus strand). Cytogenetic location: Xp11.23.
Variant type: Deletion.
Coding change: c.1396del on transcript NM_001256789.3 (MANE Select); coding-DNA position 1396, one base deleted (T; older notation c.1396delT).
Protein change: p.Ser466fs; shifts the reading frame from serine 466.
Molecular consequence: frameshift variant.
Genome position (GRCh38, 1-based): chrX:49,226,476, A deleted on the plus strand (T on the coding strand, the reverse complement: CACNA1F is on the minus strand); the first of 2 consecutive A bases (chrX:49,226,476-49,226,477); deleting either gives the same sequence. VCF-style (leftmost placement, unchanged base first): chrX-49226475-GA-G. GRCh37 (hg19) VCF-style: chrX-49082937-GA-G.
Other names: c.1234del, p.Ser412fs (NM_001256790.3); c.1429del, p.Ser477fs (NM_005183.4); short protein forms S412fs, S466fs, S477fs.
Identifiers: ClinVar variation 3907786 (VCV003907786.1).